The following is an entry in ClinVar:

NM_001868.4(CPA1):c.1120A>G (p.Lys374Glu)

Gene: CPA1 (carboxypeptidase A1; plus strand). Cytogenetic location: 7q32.2.
Variant type: single nucleotide variant.
Coding change: c.1120A>G on transcript NM_001868.4 (MANE Select); coding-DNA position 1120, A replaced by G.
Protein change: p.Lys374Glu; replaces lysine 374 with glutamic acid.
Molecular consequence: missense variant.
Genome position (GRCh38, 1-based): chr7:130,387,871, A>G. VCF-style: chr7-130387871-A-G. GRCh37 (hg19) VCF-style: chr7-130027712-A-G.
Other names: short protein forms K374E.
Identifiers: ClinVar variation 2972589 (VCV002972589.3), dbSNP rs1242299098, ClinGen allele CA369284280.

ClinVar aggregate classification (germline): Uncertain significance (1 of 4 stars; one submission).

Allele frequency attached by ClinVar (database versions not stated): TOPMed below 0.00001; gnomAD 0.00001.

Submission:

Labcorp Genetics (formerly Invitae), Labcorp
Classification: Uncertain significance. Last evaluated: 2023-08-27. Review status: criteria provided, single submitter. Criteria: Invitae Variant Classification Sherloc (09022015). Collection method: clinical testing. Allele origin: germline.
Comment: This missense change has been observed in individual(s) with hereditary chronic pancreatitis (PMID: 31005883). It has also been observed to segregate with disease in related individuals. Advanced modeling of protein sequence and biophysical properties (such as structural, functional, and spatial information, amino acid conservation, physicochemical variation, residue mobility, and thermodynamic stability) has been performed at Invitae for this missense variant, however the output from this modeling did not meet the statistical confidence thresholds required to predict the impact of this variant on CPA1 protein function. Experimental studies have shown that this missense change affects CPA1 function (PMID: 31005883). In summary, the available evidence is currently insufficient to determine the role of this variant in disease. Therefore, it has been classified as a Variant of Uncertain Significance. This variant is not present in population databases (gnomAD no frequency). This sequence change replaces lysine, which is basic and polar, with glutamic acid, which is acidic and polar, at codon 374 of the CPA1 protein (p.Lys374Glu).

Literature cited by the submitters: PubMed 31005883.